The following is an entry in ClinVar:

ClinVar aggregate classification (germline): Pathogenic (0 of 4 stars; one submission).

Submission:

Department of Pathology and Laboratory Medicine, Sinai Health System
Classification: Pathogenic. Review status: no assertion criteria provided. Collection method: clinical testing. Allele origin: unknown. Affected: yes. Study: The Canadian Open Genetics Repository (COGR).
Comment: The BRCA2 c.8332-?_8632+?dup variant (chr13.hg19.g.32944559-?_32945161+?dup) results in a duplication of exons 19 and 20, although the precise breakpoints of this duplication were not determined, nor were the effects of this variant on the resulting mRNA or protein product determined. The variant was identified in 3 of 4418 proband chromosomes (frequency: 0.001) from individuals or families with breast or ovarian cancer (Caux-Moncoutier 2011, de la Hoya 2006, Walsh 2006), and was also identified in HGMD and UMD (2X as a causal variant). The variant is predicted to cause a frameshift, which alters the protein's amino acid sequence and leads to a premature stop codon, which is predicted to lead to a truncated or absent protein and loss of function. Loss of function variants of the BRCA2 gene are an established mechanism of disease in hereditary breast and ovarian cancer and is the type of variant expected to cause the disorder. In summary, based on the above information, this variant meets our laboratoryâ€šÃ„Ã´s criteria to be classified as pathogenic.

NM_000059.4(BRCA2):c.8332-1_8487+146dup

Gene: BRCA2 (BRCA2 DNA repair associated; plus strand). Cytogenetic location: 13q13.1.
Variant type: Duplication.
Coding change: c.8332-1_8487+146dup on transcript NM_000059.4 (MANE Select); the canonical splice acceptor site of the intron before coding-DNA position 8332 through 146 bases into the intron after coding-DNA position 8487, 303 bases duplicated.
Molecular consequence: splice acceptor variant, splice donor variant.
Genome position (GRCh38, 1-based): chr13:32,370,401-32,370,703, 303 bases duplicated. GRCh37 (hg19): chr13:32,944,538-32,944,840.
Identifiers: ClinVar variation 1050075 (VCV001050075.1), dbSNP rs2137596319, ClinGen allele CA2499222326.